The following is an entry in ClinVar:

ClinVar aggregate classification (germline): Pathogenic (1 of 4 stars; one submission).

Conditions:
Duchenne muscular dystrophy (DMD). Also called: MUSCULAR DYSTROPHY, PSEUDOHYPERTROPHIC PROGRESSIVE, DUCHENNE TYPE; Duchenne Muscular Dystrophy (DMD). Identifiers: Orphanet 98896, MedGen C0013264, MONDO:0010679, OMIM 310200.

Submission:

Labcorp Genetics (formerly Invitae), Labcorp
Classification: Pathogenic for Duchenne muscular dystrophy. Last evaluated: 2018-03-23. Review status: criteria provided, single submitter. Criteria: Invitae Variant Classification Sherloc (09022015). Collection method: clinical testing. Allele origin: germline.
Comment: This variant is a gross duplication of the genomic region encompassing exons 3-7 of the DMD gene. While the exact position of the duplicated exons cannot be determined from this data, sub-genic duplications are generally in tandem (PMID: 25640679) and may result in an absent or disrupted protein product. This variant has been reported in several individuals affected with Duchenne muscular dystrophy (PMID: 22510846, 27206868, 15655674). Loss-of-function variants in DMD are known to be pathogenic (PMID: 16770791, 25007885). For these reasons, this variant has been classified as Pathogenic.

Literature cited by the submitters: PubMed 22510846; PubMed 27206868; PubMed 15655674.

NC_000023.10:g.(?_32827590)_(32867957_?)dup

Gene: DMD (dystrophin; minus strand). Cytogenetic location: Xp21.1.
Variant type: Duplication.
Identifiers: ClinVar variation 583527 (VCV000583527.1).